The following is an entry in ClinVar:

ClinVar aggregate classification (germline): Uncertain significance. Review status: criteria provided, multiple submitters, no conflicts (2 of 4 stars). 2 submissions from 2 submitters: Uncertain significance (2). Last evaluated 2025-12-22.

Conditions:
Brugada syndrome 8 (BRGDA8). Identifiers: Orphanet 130, MedGen C2751083, MONDO:0013148, OMIM 613123.

Allele frequency attached by ClinVar (database versions not stated): gnomAD exomes below 0.00001.
gnomAD v4.1: 4 of 1,614,160 alleles (0.00025%); highest among the groups gnomAD compares: South Asian, 0.0011%; no homozygotes.

Submissions (2):

Labcorp Genetics (formerly Invitae), Labcorp
Classification: Uncertain significance for Brugada syndrome 8. Last evaluated: 2025-12-22. Review status: criteria provided, single submitter. Criteria: Invitae Variant Classification Sherloc (09022015). Collection method: clinical testing. Allele origin: germline.
Comment: This sequence change replaces valine, which is neutral and non-polar, with methionine, which is neutral and non-polar, at codon 352 of the HCN4 protein (p.Val352Met). This variant is present in population databases (no rsID available, gnomAD 0.003%). This variant has not been reported in the literature in individuals affected with HCN4-related conditions. ClinVar contains an entry for this variant (Variation ID: 966923). Invitae Evidence Modeling of protein sequence and biophysical properties (such as structural, functional, and spatial information, amino acid conservation, physicochemical variation, residue mobility, and thermodynamic stability) has been performed for this missense variant. However, the output from this modeling did not meet the statistical confidence thresholds required to predict the impact of this variant on HCN4 protein function. In summary, the available evidence is currently insufficient to determine the role of this variant in disease. Therefore, it has been classified as a Variant of Uncertain Significance.

GeneDx
Classification: Uncertain significance. Last evaluated: 2025-02-05. Review status: criteria provided, single submitter. Criteria: GeneDx Variant Classification Process June 2021. Collection method: clinical testing. Allele origin: germline. Affected: yes.
Comment: Not observed at significant frequency in large population cohorts (gnomAD); In silico analysis supports that this missense variant has a deleterious effect on protein structure/function; Has not been previously published as pathogenic or benign to our knowledge

NM_005477.3(HCN4):c.1054G>A (p.Val352Met)

Genes: HCN4 (hyperpolarization activated cyclic nucleotide gated potassium channel 4; minus strand), LOC105370890 (uncharacterized LOC105370890; plus strand), LOC126862173 (CDK7 strongly-dependent group 2 enhancer GRCh37_chr15:73635762-73636961; plus strand). Cytogenetic location: 15q24.1.
Variant type: single nucleotide variant.
Coding change: c.1054G>A on transcript NM_005477.3 (MANE Select); coding-DNA position 1054, G replaced by A.
Protein change: p.Val352Met; replaces valine 352 with methionine.
Molecular consequence: missense variant.
Genome position (GRCh38, 1-based): chr15:73,343,540, C>T on the plus strand (G>A on the coding strand, the complement: HCN4 is on the minus strand). VCF-style: chr15-73343540-C-T. GRCh37 (hg19) VCF-style: chr15-73635881-C-T.
Other names: short protein forms V352M.
Identifiers: ClinVar variation 966923 (VCV000966923.9), dbSNP rs1170518463, ClinGen allele CA393094949.
Genomic context (GRCh38, chr15:73,343,540, plus strand): 5'-GGGCAGTCTTGTAGACCTCCGAGTCGATGCGTGTCTCCACAATGAGGAAGATGTAGTCCA[C>T]GGGGATGGAGGAAATGAAATCTACCATGAACCAGCTTTTCAGGTACTTCATTTTAATCCG-3'
Protein context (NP_005468.1, residues 342-362): FMVDFISSIP[Val352Met]DYIFLIVETR